The following is an entry in ClinVar:

ClinVar aggregate classification (germline): Pathogenic/Likely pathogenic. Review status: criteria provided, multiple submitters, no conflicts (2 of 4 stars). 18 submissions from 16 submitters: Pathogenic (13); Likely pathogenic (2). 3 of the submissions do not count toward it. Last evaluated 2026-08-17.

Conditions:
Oculocutaneous albinism type 1A (OCA1A). Also called: Albinism, oculocutaneous, type IA. Identifiers: Orphanet 352731, Orphanet 79431, MedGen C4551504, MONDO:0008745, OMIM 203100. Disease mechanism: loss of function.
Oculocutaneous albinism type 1B (OCA1B). Also called: ALBINISM, OCULOCUTANEOUS, TYPE IB; YELLOW ALBINISM; ALBINISM, YELLOW MUTANT TYPE. Identifiers: Orphanet 352731, Orphanet 352737, Orphanet 79434, MedGen C1847024, MONDO:0011749, OMIM 606952.
SKIN/HAIR/EYE PIGMENTATION 3, LIGHT/DARK SKIN (SHEP3). Also called: SKIN/HAIR/EYE PIGMENTATION, VARIATION IN, 3; SKIN/HAIR/EYE PIGMENTATION 3, BLUE/GREEN EYE COLOR; SKIN/HAIR/EYE PIGMENTATION 3, FRECKLING; EYE COLOR 1; EYE COLOR, GREEN/BLUE. Identifiers: MedGen C2677190, OMIM 601800.
TYR-related disorder. Also called: TYR-related condition.
Inborn genetic diseases. Identifiers: MedGen C0950123, MeSH D030342.
Oculocutaneous albinism. Identifiers: Orphanet 55, MedGen C0078918, MONDO:0018910.
Ocular albinism with congenital sensorineural hearing loss. Identifiers: MedGen CN028925.

Allele frequency attached by ClinVar (database versions not stated): ExAC 0.00009; gnomAD exomes 0.00016; gnomAD 0.00029 and 0.00030; TOPMed 0.00048; 1000 Genomes Project 30x 0.00078; 1000 Genomes Project 0.00100.
gnomAD v4.1: 123 of 1,614,182 alleles (0.0076%); highest among the groups gnomAD compares: Admixed American, 0.15%; 1 homozygote.

Submissions (18):

PreventionGenetics, part of Exact Sciences
Classification: Pathogenic for TYR-related condition. Last evaluated: 2026-08-17. Review status: criteria provided, single submitter. Criteria: ACMG Guidelines, 2015. Collection method: clinical testing. Allele origin: germline.
Comment: The TYR c.140G>A variant is predicted to result in the amino acid substitution p.Gly47Asp. This variant has been reported many times as causative for autosomal recessive oculocutaneous albinism (see for examples Oetting et al. 1993. PubMed ID: 8434585; Gershoni-Baruch et al. 1994. PubMed ID: 8128955; Camand et al. 2001. PubMed ID: 11295837; Marti et al. 2017. PubMed ID: 28976636). This variant is reported in 0.11% of alleles in individuals of Latino descent in gnomAD, indicating it is relatively common in this population. This variant has been classified as pathogenic by multiple independent submitters to the ClinVar database (Variation ID: 3794). Given all the evidence, we interpret this variant as pathogenic.

Labcorp Genetics (formerly Invitae), Labcorp
Classification: Pathogenic. Last evaluated: 2026-02-02. Review status: criteria provided, single submitter. Criteria: Invitae Variant Classification Sherloc (09022015). Collection method: clinical testing. Allele origin: germline.
Comment: This sequence change replaces glycine, which is neutral and non-polar, with aspartic acid, which is acidic and polar, at codon 47 of the TYR protein (p.Gly47Asp). This variant is present in population databases (rs61753180, gnomAD 0.1%). This missense change has been observed in individual(s) with oculocutaneous albinism (PMID: 1676041, 8128955, 8434585, 16417222, 19626598, 23242301, 23882993, 28976636). In at least one individual the data is consistent with being in trans (on the opposite chromosome) from a pathogenic variant. It is commonly reported in individuals of Puerto Rican or Moroccan Jewish ancestry (PMID: 8128955, 8434585, 16417222, 23882993). ClinVar contains an entry for this variant (Variation ID: 3794). Invitae Evidence Modeling of protein sequence and biophysical properties (such as structural, functional, and spatial information, amino acid conservation, physicochemical variation, residue mobility, and thermodynamic stability) indicates that this missense variant is expected to disrupt TYR protein function with a positive predictive value of 95%. This variant disrupts the p.Gly47 amino acid residue in TYR. Other variant(s) that disrupt this residue have been observed in individuals with TYR-related conditions (PMID: 8434585, 26167114, 29345414), which suggests that this may be a clinically significant amino acid residue. For these reasons, this variant has been classified as Pathogenic.

Otogenetics
Classification: Pathogenic for Oculocutaneous albinism type 1A; Oculocutaneous albinism type 1B. Last evaluated: 2025-12-15. Review status: criteria provided, single submitter. Criteria: ACMG Guidelines, 2015. Collection method: clinical testing. Allele origin: germline.
Comment: PM2: Maximum gnomAD MAF of 0.1101% in American (AMR) subpopulation (<0.127% threshold); PM3_VeryStrong.: Variant reported in homozygous state in two affected individual and in trans with 5 pathogenic variants in 7 individuals affected with oculocutaneous albinism (PMID: 23242301, 39556609); PM5: Likely pathogenic missense amino acid changes occur in same position: c.139G>A;p.Gly47Ser and c.140G>T;p.Gly47Val (PMID: 15146472, 26167114); PP3: In-silico models predict deleterious effect (Revel = 0.96, BayesDel = 0.57)

Women's Health and Genetics/Laboratory Corporation of America, LabCorp
Classification: Pathogenic for Oculocutaneous albinism. Last evaluated: 2025-09-24. Review status: criteria provided, single submitter. Criteria: LabCorp Variant Classification Summary - May 2015. Collection method: clinical testing. Allele origin: germline.
Comment: Variant summary: TYR c.140G>A (p.Gly47Asp) results in a non-conservative amino acid change in the encoded protein sequence. Algorithms developed to predict the effect of missense changes on protein structure and function all suggest that this variant is likely to be disruptive. The variant allele was found at a frequency of 0.00016 in 251438 control chromosomes. This frequency is not significantly higher than estimated for disease-causing variants in TYR, allowing no conclusion about variant significance. c.140G>A has been observed in multiple individuals affected with Oculocutaneous Albinism (e.g. Oetting_1993, Marti_2018). These data indicate that the variant is very likely to be associated with disease. To our knowledge, no experimental evidence demonstrating an impact on protein function has been reported. The following publications have been ascertained in the context of this evaluation (PMID: 28976636, 8434585). ClinVar contains an entry for this variant (Variation ID: 3794). Based on the evidence outlined above, the variant was classified as pathogenic.

GeneDx
Classification: Pathogenic. Last evaluated: 2025-08-06. Review status: criteria provided, single submitter. Criteria: GeneDx Variant Classification Process June 2021. Collection method: clinical testing. Allele origin: germline. Affected: yes.
Comment: In silico analysis supports that this missense variant has a deleterious effect on protein structure/function; This variant is associated with the following publications: (PMID: 1642278, 28976636, 31589614, 33599182, 38219857, 18925668, 29345414, 38994739, 8434585)

Revvity Omics, Revvity
Classification: Pathogenic. Last evaluated: 2025-04-29. Review status: criteria provided, single submitter. Criteria: ACMG Guidelines, 2015. Collection method: clinical testing. Allele origin: germline.

Laboratory of Genetic Epidemiology, Research Centre for Medical Genetics
Classification: Likely pathogenic for Oculocutaneous albinism type 1A; Oculocutaneous albinism type 1B. Last evaluated: 2025-01-01. Review status: criteria provided, single submitter. Criteria: ACMG Guidelines, 2015. Collection method: clinical testing. Allele origin: maternal. Inheritance: Autosomal recessive inheritance. Affected: yes. Observed: 1 compound heterozygote.
Comment: The missense variant NM_000372.5:c.140G>A, p.(Gly47Asp) was identified in a compound heterozygous state in two probands diagnosed with albinism. The affected amino acid position is evolutionarily conserved, and multiple in silico prediction tools support a deleterious effect. This variant has been previously reported in the literature (PMIDs:26167114, 28976636, 29345414) and is listed in gnomAD v3.1.2 with allele frequency 0.00002 in Europe (2/68018). Taken together, the variant meets the following ACMG/AMP criteria and can be classified as likely pathogenic with PM2, PP3, PM3, PP5, PP4 criteria.

Blueprint Genetics
Classification: Pathogenic for TYR-related disorders. Last evaluated: 2024-08-30. Review status: criteria provided, single submitter. Criteria: ACMG Guidelines, 2015. Collection method: clinical testing. Allele origin: germline. Affected: yes. Observed: 5 variant alleles.

Baylor Genetics
Classification: Pathogenic for SKIN/HAIR/EYE PIGMENTATION 3, LIGHT/DARK SKIN. Last evaluated: 2024-03-20. Review status: criteria provided, single submitter. Criteria: ACMG Guidelines, 2015. Collection method: clinical testing. Allele origin: unknown.

Fulgent Genetics
Classification: Pathogenic for Oculocutaneous albinism type 1A; SKIN/HAIR/EYE PIGMENTATION 3, LIGHT/DARK SKIN; Oculocutaneous albinism type 1B. Last evaluated: 2024-02-02. Review status: criteria provided, single submitter. Criteria: ACMG Guidelines, 2015. Collection method: clinical testing. Allele origin: germline.

Genome-Nilou Lab
Classification: Pathogenic for Oculocutaneous albinism type 1A. Last evaluated: 2021-07-22. Review status: criteria provided, single submitter. Criteria: ACMG Guidelines, 2015. Collection method: clinical testing. Allele origin: germline. Affected: no.

Fulgent Genetics
Classification: Likely pathogenic for Oculocutaneous albinism type 1A; SKIN/HAIR/EYE PIGMENTATION 3, LIGHT/DARK SKIN; Oculocutaneous albinism type 1B. Last evaluated: 2018-10-31. Review status: criteria provided, single submitter. Criteria: ACMG Guidelines, 2015. Collection method: clinical testing. Allele origin: unknown.

Ambry Genetics
Classification: Pathogenic for Inborn genetic diseases. Last evaluated: 2018-02-26. Review status: criteria provided, single submitter. Criteria: Ambry exome assertion method (8-5-2015). Collection method: clinical testing. Allele origin: germline. Affected: yes. Observed: 1 variant allele.

Genetic Services Laboratory, University of Chicago
Classification: Pathogenic for Albinism, oculocutaneous, type IA. Last evaluated: 2016-12-14. Review status: criteria provided, single submitter. Criteria: ACMG Guidelines, 2015. Collection method: clinical testing. Allele origin: germline. Affected: yes.

Pele Pequeno Principe Research Institute, Faculdades Pequeno Principe
Classification: Pathogenic for Oculocutaneous albinism type 1A. Review status: criteria provided, single submitter. Criteria: ACMG Guidelines, 2015. Collection method: research. Allele origin: germline. Inheritance: Autosomal recessive inheritance. Affected: yes.

OMIM
Classification: Pathogenic for ALBINISM, OCULOCUTANEOUS, TYPE IA. Last evaluated: 2008-11-15. Review status: no assertion criteria provided. Collection method: literature only. Allele origin: germline. Not counted in ClinVar's aggregate classification.

OMIM
Classification: Pathogenic for ALBINISM, OCULOCUTANEOUS, TYPE IB. Last evaluated: 2008-11-15. Review status: no assertion criteria provided. Collection method: literature only. Allele origin: germline. Not counted in ClinVar's aggregate classification.

Retina International
No classification provided. Review status: no classification provided. Collection method: not provided. Allele origin: unknown. Not counted in ClinVar's aggregate classification.

Literature cited by the submitters: PubMed 1676041 (cited by Labcorp Genetics (formerly Invitae), Labcorp); PubMed 8128955 (cited by Labcorp Genetics (formerly Invitae), Labcorp and Ambry Genetics); PubMed 8434585 (cited by 4 submitters); PubMed 16417222 (cited by Labcorp Genetics (formerly Invitae), Labcorp); PubMed 19626598 (cited by Labcorp Genetics (formerly Invitae), Labcorp); PubMed 23242301 (cited by Labcorp Genetics (formerly Invitae), Labcorp and Otogenetics); PubMed 23882993 (cited by Labcorp Genetics (formerly Invitae), Labcorp); PubMed 28976636 (cited by 3 submitters); PubMed 26167114 (cited by 3 submitters); PubMed 29345414 (cited by Labcorp Genetics (formerly Invitae), Labcorp and Laboratory of Genetic Epidemiology, Research Centre for Medical Genetics); PubMed 39556609 (cited by Otogenetics); PubMed 15146472 (cited by Otogenetics); PubMed 41428507 (cited by Laboratory of Genetic Epidemiology, Research Centre for Medical Genetics); PubMed 1642278 (cited by OMIM); PubMed 18925668 (cited by OMIM).

NM_000372.5(TYR):c.140G>A (p.Gly47Asp)

Gene: TYR (tyrosinase; plus strand). Cytogenetic location: 11q14.3.
Variant type: single nucleotide variant.
Coding change: c.140G>A on transcript NM_000372.5 (MANE Select); coding-DNA position 140, G replaced by A.
Protein change: p.Gly47Asp; replaces glycine 47 with aspartic acid.
Molecular consequence: missense variant.
Genome position (GRCh38, 1-based): chr11:89,178,093, G>A. VCF-style: chr11-89178093-G-A. GRCh37 (hg19) VCF-style: chr11-88911261-G-A.
Other names: short protein forms G47D.
Identifiers: ClinVar variation 3794 (VCV000003794.40), dbSNP rs61753180, ClinGen allele CA227531.